The following is an entry in ClinVar:

ClinVar aggregate classification (germline): Pathogenic. Review status: criteria provided, multiple submitters, no conflicts (2 of 4 stars). 10 submissions from 10 submitters: Pathogenic (9). 1 of the submissions does not count toward it. Last evaluated 2023-11-23.

Conditions:
Adult onset neurodegenerative disorder.
GRN-related disorder. Also called: GRN-related condition; GRN-related disorders.
GRN-related frontotemporal lobar degeneration with Tdp43 inclusions (FTD2). Also called: GRN Frontotemporal Dementia; FRONTOTEMPORAL LOBAR DEGENERATION WITH UBIQUITIN-POSITIVE INCLUSIONS; FTLD-TDP, GRN-RELATED; FRONTOTEMPORAL DEMENTIA WITH TDP43 INCLUSIONS, GRN-RELATED; DEMENTIA, HEREDITARY DYSPHASIC DISINHIBITION. Identifiers: Orphanet 100070, Orphanet 282, MedGen C1843792, MONDO:0011842, OMIM 607485. Disease mechanism: loss of function.
Neuronal ceroid lipofuscinosis 11. Also called: GRN-Related Neuronal Ceroid-Lipofuscinosis. Identifiers: Orphanet 314629, Orphanet 79262, MedGen C3539123, MONDO:0013866, OMIM 614706.

Allele frequency attached by ClinVar (database versions not stated): gnomAD exomes below 0.00001; ExAC 0.00001; TOPMed 0.00001.

Submissions (11):

Cambridge Genomics Laboratory, East Genomic Laboratory Hub, NHS Genomic Medicine Service
Classification: Pathogenic for Adult onset neurodegenerative disorder. Last evaluated: 2023-11-23. Review status: criteria provided, single submitter. Criteria: ACGS Best Practice Guidelines for Variant Classification in Rare Disease 2020. Collection method: clinical testing. Allele origin: germline. Affected: yes.
Comment: The p.Arg110Ter variant is observed in 1/113.210 (0.0009%) alleles from individuals of gnomAD Non Finnish European background in gnomAD All. The p.Arg110Ter variant is novel (not in any individuals) in 1kG All. The p.Arg110Ter variant is novel (not in any individuals) in gnomAD Genomes v3 All. (PM2 - Moderate) | This variant is a stop gained variant which occurs in an exon of GRN upstream of where nonsense mediated decay is predicted to occur. This variant has been previously classified as pathogenic, indicating that the region is critical to protein function. There are 65 downstream pathogenic loss of function variants, with the furthest variant being 410 residues downstream of this variant. This indicates that the region is critical to protein function. The p.Arg110Ter variant is a loss of function variant in the gene GRN, which is intolerant of Loss of Function variants, as indicated by the presence of existing pathogenic loss of function variant NP_002078.1:p.M1V and 72 others. (PVS1 - Very Strong)

Blueprint Genetics
Classification: Pathogenic for GRN-related disorders. Last evaluated: 2023-10-26. Review status: criteria provided, single submitter. Criteria: ACMG Guidelines, 2015. Collection method: clinical testing. Allele origin: germline. Affected: yes. Observed: 3 variant alleles.

CeGaT Center for Human Genetics Tuebingen
Classification: Pathogenic. Last evaluated: 2023-10-01. Review status: criteria provided, single submitter. Criteria: CeGaT Center For Human Genetics Tuebingen Variant Classification Criteria Version 2. Collection method: clinical testing. Allele origin: germline. Affected: yes. Observed: 2 variant alleles.
Comment: GRN: PVS1, PM2

Labcorp Genetics (formerly Invitae), Labcorp
Classification: Pathogenic for Neuronal ceroid lipofuscinosis 11; GRN-related frontotemporal lobar degeneration with Tdp43 inclusions. Last evaluated: 2022-07-06. Review status: criteria provided, single submitter. Criteria: Invitae Variant Classification Sherloc (09022015). Collection method: clinical testing. Allele origin: germline.
Comment: This sequence change creates a premature translational stop signal (p.Arg110*) in the GRN gene. It is expected to result in an absent or disrupted protein product. Loss-of-function variants in GRN are known to be pathogenic (PMID: 16862116, 16950801, 22608501). This variant is present in population databases (rs63750411, gnomAD 0.0009%). This premature translational stop signal has been observed in individual(s) with clinical features of frontotemporal dementia (PMID: 17698705, 22312439, 30528841). ClinVar contains an entry for this variant (Variation ID: 98134). Algorithms developed to predict the effect of sequence changes on RNA splicing suggest that this variant may create or strengthen a splice site. For these reasons, this variant has been classified as Pathogenic.

Clinical Genetics Laboratory, Skane University Hospital Lund
Classification: Pathogenic. Last evaluated: 2022-05-27. Review status: criteria provided, single submitter. Criteria: ACMG Guidelines, 2015. Collection method: clinical testing. Allele origin: germline. Affected: yes.

GeneDx
Classification: Pathogenic. Last evaluated: 2022-02-21. Review status: criteria provided, single submitter. Criteria: GeneDx Variant Classification Process June 2021. Collection method: clinical testing. Allele origin: germline. Affected: yes.
Comment: Nonsense variant predicted to result in protein truncation or nonsense mediated decay in a gene for which loss-of-function is a known mechanism of disease; Not observed at significant frequency in large population cohorts (gnomAD); Also reported in an individual with a clinical diagnosis of posterior cortical atrophy with visual deficits, apperceptive visual agnosia, and occipital cortical atrophy (Caroppo et al., 2015); This variant is associated with the following publications: (PMID: 25525159, 29614680, 17698705, 30528841, 28749476, 30279455, 22312439, 25546130)

Institute of Human Genetics Munich, TUM University Hospital
Classification: Pathogenic for GRN-related frontotemporal lobar degeneration with Tdp43 inclusions. Last evaluated: 2021-01-29. Review status: criteria provided, single submitter. Criteria: Classification criteria August 2017. Collection method: clinical testing. Allele origin: germline. Inheritance: Autosomal dominant inheritance. Affected: yes. Observed: 1 variant allele.

Athena Diagnostics
Classification: Pathogenic. Last evaluated: 2020-05-11. Review status: criteria provided, single submitter. Criteria: Athena Diagnostics Criteria. Collection method: clinical testing. Allele origin: unknown.
Comment: The variant creates a premature nonsense codon, and is therefore predicted to result in the loss of a functional protein. Found in at least one patient with expected phenotype for this gene, and found in general population data at a frequency that is consistent with pathogenicity.

New York Genome Center
Classification: Pathogenic for Neuronal ceroid lipofuscinosis 11. Last evaluated: 2020-04-24. Review status: criteria provided, single submitter. Criteria: NYGC Assertion Criteria 2020. Collection method: clinical testing. Allele origin: germline. Inheritance: Autosomal recessive inheritance. Observed: 1 heterozygote. Study: CSER-NYCKidSeq.

Dr. Peter K. Rogan Lab, Western University
No classification provided (evidence only). Condition: Squamous cell carcinoma of the head and neck. Review status: no classification provided. Collection method: in vitro. Allele origin: not applicable. Functional consequence: retained intron. Not counted in ClinVar's aggregate classification.

VIB  Department of Molecular Genetics, University of Antwerp
No classification provided. Review status: no classification provided. Collection method: not provided. Allele origin: unknown. Not counted in ClinVar's aggregate classification.

Literature cited by the submitters: PubMed 16862116 (cited by Labcorp Genetics (formerly Invitae), Labcorp); PubMed 16950801 (cited by Labcorp Genetics (formerly Invitae), Labcorp); PubMed 22608501 (cited by Labcorp Genetics (formerly Invitae), Labcorp); PubMed 17698705 (cited by Labcorp Genetics (formerly Invitae), Labcorp and Athena Diagnostics); PubMed 22312439 (cited by Labcorp Genetics (formerly Invitae), Labcorp and Athena Diagnostics); PubMed 30528841 (cited by Labcorp Genetics (formerly Invitae), Labcorp and Athena Diagnostics); PubMed 31122931 (cited by Athena Diagnostics); PubMed 25546130 (cited by Athena Diagnostics); PubMed 30279455 (cited by Athena Diagnostics); PubMed 29614680 (cited by Athena Diagnostics); PubMed 25525159 (cited by Athena Diagnostics); PubMed 18245784 (cited by Athena Diagnostics); PubMed 20142524 (cited by Athena Diagnostics); PubMed 23117491 (cited by Athena Diagnostics).

NM_002087.4(GRN):c.328C>T (p.Arg110Ter)

Gene: GRN (granulin precursor; plus strand). Cytogenetic location: 17q21.31.
Variant type: single nucleotide variant.
Coding change: c.328C>T on transcript NM_002087.4 (MANE Select); coding-DNA position 328, C replaced by T.
Protein change: p.Arg110Ter; replaces arginine 110 with a stop codon.
Molecular consequence: nonsense.
Genome position (GRCh38, 1-based): chr17:44,349,730, C>T. VCF-style: chr17-44349730-C-T. GRCh37 (hg19) VCF-style: chr17-42427098-C-T.
Other names: short protein forms R110*.
Identifiers: ClinVar variation 98134 (VCV000098134.60), dbSNP rs63750411, ClinGen allele CA225231.